The following is an entry in ClinVar:

ClinVar aggregate classification (germline): Conflicting classifications of pathogenicity. Review status: criteria provided, conflicting classifications (1 of 4 stars). 5 submissions from 4 submitters: Uncertain significance (2); Likely benign (2). 1 of the submissions does not count toward it. Last evaluated 2026-01-25.

Conditions:
RYR1-related disorder. Also called: RYR1-related disorders; RYR1-related condition. Identifiers: MedGen CN239331.
Malignant hyperthermia, susceptibility to, 1 (MHS1). Also called: Anesthesia related hyperthermia; Malignant hyperpyrexia; Fulminating hyperpyrexia; Pharmacogenic myopathy; RYR1-Related Malignant Hyperthermia Susceptibility; Malignant hyperthermia suceptibility 1. Identifiers: Orphanet 423, MedGen C2930980, MONDO:0007783, OMIM 145600.
Congenital multicore myopathy with external ophthalmoplegia (CMYO1B). Also called: MULTIMINICORE DISEASE WITH EXTERNAL OPHTHALMOPLEGIA; MULTICORE MYOPATHY; Congenital myopathy 1B, autosomal recessive; Minicore myopathy; Minicore myopathy with external ophthalmoplegia. Identifiers: Orphanet 598, Orphanet 98905, MedGen C1850674, MONDO:0009712, OMIM 255320, HP:0003789.

Allele frequency attached by ClinVar (database versions not stated): ExAC 0.00003; gnomAD exomes 0.00004 and 0.00005; gnomAD 0.00007 and 0.00008; ESP Exome Variant Server 0.00008; TOPMed 0.00014.
gnomAD v4.1: 68 of 1,613,344 alleles (0.0042%); highest among the groups gnomAD compares: Admixed American, 0.03%; no homozygotes.

Submissions (5):

Labcorp Genetics (formerly Invitae), Labcorp
Classification: Likely benign for RYR1-related disorder. Last evaluated: 2026-01-25. Review status: criteria provided, single submitter. Criteria: Invitae Variant Classification Sherloc (09022015). Collection method: clinical testing. Allele origin: germline.

Blueprint Genetics
Classification: Likely benign. Last evaluated: 2024-01-23. Review status: criteria provided, single submitter. Criteria: ACMG Guidelines, 2015. Collection method: clinical testing. Allele origin: germline.

Illumina Laboratory Services, Illumina
Classification: Uncertain significance for Malignant hyperthermia, susceptibility to, 1. Last evaluated: 2018-01-12. Review status: criteria provided, single submitter. Criteria: ICSL Variant Classification Criteria 13 December 2019. Collection method: clinical testing. Allele origin: germline.

Illumina Laboratory Services, Illumina
Classification: Uncertain significance for Congenital multicore myopathy with external ophthalmoplegia. Last evaluated: 2018-01-12. Review status: criteria provided, single submitter. Criteria: ICSL Variant Classification Criteria 13 December 2019. Collection method: clinical testing. Allele origin: germline.

PreventionGenetics, part of Exact Sciences
Classification: Likely benign for RYR1-related condition. Last evaluated: 2019-03-25. Review status: no assertion criteria provided. Collection method: clinical testing. Allele origin: germline. Not counted in ClinVar's aggregate classification.
Comment: This variant is classified as likely benign based on ACMG/AMP sequence variant interpretation guidelines (Richards et al. 2015 PMID: 25741868, with internal and published modifications).

NM_000540.3(RYR1):c.8310+10A>G

Gene: RYR1 (ryanodine receptor 1; plus strand). Cytogenetic location: 19q13.2.
Variant type: single nucleotide variant.
Coding change: c.8310+10A>G on transcript NM_000540.3 (MANE Select); 10 bases into the intron after coding-DNA position 8310, A replaced by G.
Molecular consequence: intron variant.
Genome position (GRCh38, 1-based): chr19:38,505,091, A>G. VCF-style: chr19-38505091-A-G. GRCh37 (hg19) VCF-style: chr19-38995731-A-G.
Other names: c.8310+10A>G (NM_001042723.2).
Identifiers: ClinVar variation 329077 (VCV000329077.18), dbSNP rs372730488, ClinGen allele CA071767.